The following is an entry in ClinVar:

ClinVar aggregate classification (germline): Pathogenic (1 of 4 stars; one submission).

Conditions:
Fanconi anemia (FA). Also called: Fanconi's anemia. Identifiers: Orphanet 84, MedGen C0015625, MeSH D005199, MONDO:0019391.

Submission:

Labcorp Genetics (formerly Invitae), Labcorp
Classification: Pathogenic for Fanconi anemia. Last evaluated: 2025-01-19. Review status: criteria provided, single submitter. Criteria: Invitae Variant Classification Sherloc (09022015). Collection method: clinical testing. Allele origin: germline.
Comment: This sequence change creates a premature translational stop signal (p.Thr952*) in the FANCD2 gene. It is expected to result in an absent or disrupted protein product. Loss-of-function variants in FANCD2 are known to be pathogenic (PMID: 17436244). This variant is not present in population databases (gnomAD no frequency). This variant has not been reported in the literature in individuals affected with FANCD2-related conditions. For these reasons, this variant has been classified as Pathogenic.

Literature cited by the submitters: PubMed 17436244.

NM_001018115.3(FANCD2):c.2854_2855del (p.His951_Thr952insTer)

Genes: FANCD2 (FA complementation group D2; plus strand), LOC107303338 (3p25 FANCD2 Alu-mediated recombination region; plus strand). Cytogenetic location: 3p25.3.
Variant type: Microsatellite.
Coding change: c.2854_2855del on transcript NM_001018115.3 (MANE Select); coding-DNA positions 2854 to 2855, 2 bases deleted (AC; older notation c.2854_2855delAC).
Protein change: p.His951_Thr952insTer.
Molecular consequence: nonsense.
Genome position (GRCh38, 1-based): chr3:10,074,668-10,074,669, AC deleted; deleting any 2 consecutive bases within chr3:10,074,665-10,074,669 gives the same sequence; the c. name uses the placement nearest the transcript's 3' end. VCF-style (leftmost placement, unchanged base first): chr3-10074664-GCA-G. GRCh37 (hg19) VCF-style: chr3-10116348-GCA-G.
Other names: c.2854_2855del, p.His951_Thr952insTer (NM_001319984.2, NM_001374254.1, NM_033084.6); c.2743_2744del, p.His914_Thr915insTer (NM_001374253.1).
Identifiers: ClinVar variation 3632284 (VCV003632284.2).
Genomic context (GRCh38, chr3:10,074,664, plus strand): 5'-TGAGGTCTTCTCTATTCTACATTGTGGACTTGTGACGAAGTTCATCTTAGATACTGAAAT[GCA>G]CACTGAAGTAAGTGACAGGCTAGGATCTCAGAATTTAATCTTCTTTCAGAAAGTTCCTCA-3'